The following is an entry in ClinVar:

ClinVar aggregate classification (germline): Likely benign. Review status: criteria provided, multiple submitters, no conflicts (2 of 4 stars). 3 submissions from 3 submitters: Likely benign (3). Last evaluated 2025-07-31.

Conditions:
NR2E3-related disorder. Also called: NR2E3-related disorders; NR2E3-related condition. Identifiers: MedGen CN239387.

Allele frequency attached by ClinVar (database versions not stated): gnomAD exomes 0.00001 and 0.00002; ExAC 0.00003; gnomAD 0.00007 and 0.00008; TOPMed 0.00014; ESP Exome Variant Server 0.00016.
gnomAD v4.1: 24 of 1,602,424 alleles (0.0015%); highest among the groups gnomAD compares: African/African-American, 0.027%; no homozygotes.

Submissions (3):

PreventionGenetics, part of Exact Sciences
Classification: Likely benign for NR2E3-related condition. Last evaluated: 2025-07-31. Review status: criteria provided, single submitter. Criteria: ACMG Guidelines, 2015. Collection method: clinical testing. Allele origin: germline.
Comment: This variant is classified as likely benign based on ACMG/AMP sequence variant interpretation guidelines (Richards et al. 2015 PMID: 25741868, with internal and published modifications).

Labcorp Genetics (formerly Invitae), Labcorp
Classification: Likely benign. Last evaluated: 2025-03-31. Review status: criteria provided, single submitter. Criteria: Invitae Variant Classification Sherloc (09022015). Collection method: clinical testing. Allele origin: germline.

Blueprint Genetics
Classification: Likely benign. Last evaluated: 2022-01-11. Review status: criteria provided, single submitter. Criteria: ACMG Guidelines, 2015. Collection method: clinical testing. Allele origin: germline.

NM_014249.4(NR2E3):c.245+10G>A

Gene: NR2E3 (nuclear receptor subfamily 2 group E member 3; plus strand). Cytogenetic location: 15q23.
Variant type: single nucleotide variant.
Coding change: c.245+10G>A on transcript NM_014249.4 (MANE Select); 10 bases into the intron after coding-DNA position 245, G replaced by A.
Molecular consequence: intron variant.
Genome position (GRCh38, 1-based): chr15:71,811,619, G>A. VCF-style: chr15-71811619-G-A. GRCh37 (hg19) VCF-style: chr15-72103959-G-A.
Other names: c.245+10G>A (NM_016346.4, NM_014249.3).
Identifiers: ClinVar variation 1451848 (VCV001451848.10), dbSNP rs377521269, ClinGen allele CA7640253.
Genomic context (GRCh38, chr15:71,811,619, plus strand): 5'-CGGCTGCAGCGGCTTCTTCAAGAGGAGCGTACGGCGGAGGCTCATCTACAGGTGAGTGCG[G>A]TGGGCCCTGCTGGGCGTCTGCCCCTGAGGGGTTCTGGAGGGGTGAGGGGGTGCTCAGGGG-3'